The following is an entry in ClinVar:

ClinVar aggregate classification (germline): Uncertain significance (1 of 4 stars; one submission).

Submission:

GeneDx
Classification: Uncertain significance. Last evaluated: 2023-07-17. Review status: criteria provided, single submitter. Criteria: GeneDx Variant Classification Process June 2021. Collection method: clinical testing. Allele origin: germline. Affected: yes.
Comment: Not observed at significant frequency in large population cohorts (gnomAD); In silico analysis supports that this missense variant has a deleterious effect on protein structure/function; Has not been previously published as pathogenic or benign to our knowledge

NM_001170629.2(CHD8):c.4745G>A (p.Arg1582Gln)

Gene: CHD8 (chromodomain helicase DNA binding protein 8; minus strand). Cytogenetic location: 14q11.2.
Variant type: single nucleotide variant.
Coding change: c.4745G>A on transcript NM_001170629.2 (MANE Select); coding-DNA position 4745, G replaced by A.
Protein change: p.Arg1582Gln; replaces arginine 1582 with glutamine.
Molecular consequence: missense variant.
Genome position (GRCh38, 1-based): chr14:21,400,053, C>T on the plus strand (G>A on the coding strand, the complement: CHD8 is on the minus strand). VCF-style: chr14-21400053-C-T. GRCh37 (hg19) VCF-style: chr14-21868212-C-T.
Other names: c.3908G>A, p.Arg1303Gln (NM_020920.4); short protein forms R1303Q, R1582Q.
Identifiers: ClinVar variation 3361206 (VCV003361206.1).